The following is an entry in ClinVar:

NM_023110.3(FGFR1):c.-89+1264C>T

Genes: FGFR1 (fibroblast growth factor receptor 1; minus strand), LOC130000231 (ATAC-STARR-seq lymphoblastoid active region 27250; plus strand). Cytogenetic location: 8p11.23.
Variant type: single nucleotide variant.
Coding change: c.-89+1264C>T on transcript NM_023110.3 (MANE Select); 1264 bases into the intron after 89 bases upstream of the start codon, C replaced by T.
Molecular consequence: intron variant.
Genome position (GRCh38, 1-based): chr8:38,466,717, G>A on the plus strand (C>T on the coding strand, the complement: FGFR1 is on the minus strand). VCF-style: chr8-38466717-G-A. GRCh37 (hg19) VCF-style: chr8-38324235-G-A.
Other names: c.-89+1264C>T (NM_001354368.2, NM_001354370.2, NM_023106.3 and 4 more transcripts); c.-181+1264C>T (NM_001174064.2); c.-89+955C>T (NM_001174066.2, NM_001354369.2, NM_001410922.1 and 1 more transcripts); c.-150+955C>T (NM_001174067.2).
Identifiers: ClinVar variation 3234134 (VCV003234134.20), dbSNP rs540650394, ClinGen allele CA175775583.

ClinVar aggregate classification (germline): Likely benign (1 of 4 stars; one submission).

Allele frequency attached by ClinVar (database versions not stated): 1000 Genomes Project 30x 0.00016; 1000 Genomes Project 0.00020; gnomAD 0.00020; gnomAD exomes 0.00023.
gnomAD v4.1: 44 of 217,812 alleles (0.02%); highest among the groups gnomAD compares: Admixed American, 0.11%; no homozygotes.

Submission:

CeGaT Center for Human Genetics Tuebingen
Classification: Likely benign. Last evaluated: 2026-09-01. Review status: criteria provided, single submitter. Criteria: CeGaT Center For Human Genetics Tuebingen Variant Classification Criteria Version 2. Collection method: clinical testing. Allele origin: germline. Affected: yes. Observed: 3 variant alleles.
Comment: FGFR1: BS1